The following is an entry in ClinVar:

NM_006904.7(PRKDC):c.1910A>G (p.Lys637Arg)

Gene: PRKDC (protein kinase, DNA-activated, catalytic subunit; minus strand). Cytogenetic location: 8q11.21.
Variant type: single nucleotide variant.
Coding change: c.1910A>G on transcript NM_006904.7 (MANE Select); coding-DNA position 1910, A replaced by G.
Protein change: p.Lys637Arg; replaces lysine 637 with arginine.
Molecular consequence: missense variant.
Genome position (GRCh38, 1-based): chr8:47,929,995, T>C on the plus strand (A>G on the coding strand, the complement: PRKDC is on the minus strand). VCF-style: chr8-47929995-T-C. GRCh37 (hg19) VCF-style: chr8-48842555-T-C.
Other names: c.1910A>G, p.Lys637Arg (NM_001081640.2); short protein forms K637R.
Identifiers: ClinVar variation 2626337 (VCV002626337.2), dbSNP rs2551878645, ClinGen allele CA371164437.

ClinVar aggregate classification (germline): Uncertain significance (1 of 4 stars; one submission).

Submission:

Ambry Genetics
Classification: Uncertain significance. Last evaluated: 2023-07-12. Review status: criteria provided, single submitter. Criteria: Ambry Variant Classification Scheme 2023. Collection method: clinical testing. Allele origin: germline.
Comment: The p.K637R variant (also known as c.1910A>G), located in coding exon 18 of the PRKDC gene, results from an A to G substitution at nucleotide position 1910. The lysine at codon 637 is replaced by arginine, an amino acid with highly similar properties. This amino acid position is conserved. In addition, this alteration is predicted to be tolerated by in silico analysis. Since supporting evidence is limited at this time, the clinical significance of this alteration remains unclear.